The following is an entry in ClinVar:

ClinVar aggregate classification (germline): Uncertain significance (1 of 4 stars; one submission).

Conditions:
Inborn genetic diseases. Identifiers: MedGen C0950123, MeSH D030342.

Submission:

Ambry Genetics
Classification: Uncertain significance for Inborn genetic diseases. Last evaluated: 2021-08-28. Review status: criteria provided, single submitter. Criteria: Ambry Variant Classification Scheme 2023. Collection method: clinical testing. Allele origin: germline.
Comment: The p.L649P variant (also known as c.1946T>C), located in coding exon 9 of the ATR gene, results from a T to C substitution at nucleotide position 1946. The leucine at codon 649 is replaced by proline, an amino acid with similar properties. This amino acid position is conserved. In addition, this alteration is predicted to be tolerated by in silico analysis. Since supporting evidence is limited at this time, the clinical significance of this alteration remains unclear.

NM_001184.4(ATR):c.1946T>C (p.Leu649Pro)

Gene: ATR (ATR checkpoint kinase; minus strand). Cytogenetic location: 3q23.
Variant type: single nucleotide variant.
Coding change: c.1946T>C on transcript NM_001184.4 (MANE Select); coding-DNA position 1946, T replaced by C.
Protein change: p.Leu649Pro; replaces leucine 649 with proline.
Molecular consequence: missense variant.
Genome position (GRCh38, 1-based): chr3:142,556,515, A>G on the plus strand (T>C on the coding strand, the complement: ATR is on the minus strand). VCF-style: chr3-142556515-A-G. GRCh37 (hg19) VCF-style: chr3-142275357-A-G.
Other names: c.1754T>C, p.Leu585Pro (NM_001354579.2); short protein forms L585P, L649P.
Identifiers: ClinVar variation 1783140 (VCV001783140.2), dbSNP rs2473398931, ClinGen allele CA354819483.